The following is an entry in ClinVar:

NM_021815.5(SLC5A7):c.1718C>T (p.Ser573Phe)

Gene: SLC5A7 (solute carrier family 5 member 7; plus strand). Cytogenetic location: 2q12.3.
Variant type: single nucleotide variant.
Coding change: c.1718C>T on transcript NM_021815.5 (MANE Select); coding-DNA position 1718, C replaced by T.
Protein change: p.Ser573Phe; replaces serine 573 with phenylalanine.
Molecular consequence: missense variant.
Genome position (GRCh38, 1-based): chr2:108,010,836, C>T. VCF-style: chr2-108010836-C-T. GRCh37 (hg19) VCF-style: chr2-108627292-C-T.
Other names: c.1718C>T, p.Ser573Phe (NM_001305005.3); c.1403C>T, p.Ser468Phe (NM_001305006.3); c.977C>T, p.Ser326Phe (NM_001305007.3); short protein forms S573F, S468F, S326F.
Identifiers: ClinVar variation 1515013 (VCV001515013.6), dbSNP rs374245840, ClinGen allele CA1819219.

ClinVar aggregate classification (germline): Uncertain significance (1 of 4 stars; one submission).

Conditions:
Neuronopathy, distal hereditary motor, type 7A. Also called: Neuronopathy, distal hereditary motor, type viia; NEURONOPATHY, DISTAL HEREDITARY MOTOR, HARDING TYPE VIIA; NEUROPATHY, DISTAL HEREDITARY MOTOR, HARDING TYPE VIIA; Neuronopathy, distal hereditary motor, autosomal dominant 7; HARPER-YOUNG MYOPATHY; HMN VIIA. Identifiers: Orphanet 139589, MedGen C1834703, MONDO:0008024, OMIM 158580.
Congenital myasthenic syndrome 20. Also called: Myasthenic syndrome, congenital, 20, presynaptic. Identifiers: MedGen C4310694, MONDO:0014939, OMIM 617143.

Allele frequency attached by ClinVar (database versions not stated): gnomAD exomes below 0.00001; TOPMed below 0.00001; ExAC 0.00001; gnomAD 0.00001; ESP Exome Variant Server 0.00008.
gnomAD v4.1: 2 of 1,590,936 alleles (0.00013%); highest among the groups gnomAD compares: Non-Finnish European, 0.00017%; no homozygotes.

Submission:

Labcorp Genetics (formerly Invitae), Labcorp
Classification: Uncertain significance for Neuronopathy, distal hereditary motor, type 7A; Congenital myasthenic syndrome 20. Last evaluated: 2024-02-24. Review status: criteria provided, single submitter. Criteria: Invitae Variant Classification Sherloc (09022015). Collection method: clinical testing. Allele origin: germline.
Comment: This sequence change replaces serine, which is neutral and polar, with phenylalanine, which is neutral and non-polar, at codon 573 of the SLC5A7 protein (p.Ser573Phe). This variant is present in population databases (rs374245840, gnomAD 0.0009%). This variant has not been reported in the literature in individuals affected with SLC5A7-related conditions. ClinVar contains an entry for this variant (Variation ID: 1515013). An algorithm developed to predict the effect of missense changes on protein structure and function (PolyPhen-2) suggests that this variant is likely to be tolerated. In summary, the available evidence is currently insufficient to determine the role of this variant in disease. Therefore, it has been classified as a Variant of Uncertain Significance.